The following is an entry in ClinVar:

NM_001355436.2(SPTB):c.196T>C (p.Ser66Pro)

Gene: SPTB (spectrin beta, erythrocytic; minus strand). Cytogenetic location: 14q23.3.
Variant type: single nucleotide variant.
Coding change: c.196T>C on transcript NM_001355436.2 (MANE Select); coding-DNA position 196, T replaced by C.
Protein change: p.Ser66Pro; replaces serine 66 with proline.
Molecular consequence: missense variant.
Genome position (GRCh38, 1-based): chr14:64,805,043, A>G on the plus strand (T>C on the coding strand, the complement: SPTB is on the minus strand). VCF-style: chr14-64805043-A-G. GRCh37 (hg19) VCF-style: chr14-65271761-A-G.
Other names: c.196T>C, p.Ser66Pro (NM_001024858.4, NM_001355437.2); short protein forms S66P.
Identifiers: ClinVar variation 3652005 (VCV003652005.2).

ClinVar aggregate classification (germline): Uncertain significance (1 of 4 stars; one submission).

Submission:

Labcorp Genetics (formerly Invitae), Labcorp
Classification: Uncertain significance. Last evaluated: 2024-05-02. Review status: criteria provided, single submitter. Criteria: Invitae Variant Classification Sherloc (09022015). Collection method: clinical testing. Allele origin: germline.
Comment: This sequence change replaces serine, which is neutral and polar, with proline, which is neutral and non-polar, at codon 66 of the SPTB protein (p.Ser66Pro). This variant is not present in population databases (gnomAD no frequency). This variant has not been reported in the literature in individuals affected with SPTB-related conditions. An algorithm developed to predict the effect of missense changes on protein structure and function (PolyPhen-2) suggests that this variant is likely to be disruptive. In summary, the available evidence is currently insufficient to determine the role of this variant in disease. Therefore, it has been classified as a Variant of Uncertain Significance.